The following is an entry in ClinVar:

ClinVar aggregate classification (germline): Likely pathogenic (1 of 4 stars; one submission).

Conditions:
Intellectual developmental disorder, autosomal dominant 29. Also called: SETBP1 Haploinsufficiency Disorder; Intellectual disability, autosomal dominant 29. Identifiers: Orphanet 436151, MedGen C4015141, MONDO:0014482, OMIM 616078.

Submission:

Institute of Immunology and Genetics Kaiserslautern
Classification: Likely pathogenic for Intellectual developmental disorder, autosomal dominant 29. Last evaluated: 2023-10-10. Review status: criteria provided, single submitter. Criteria: ACMG Guidelines, 2015. Collection method: clinical testing. Allele origin: germline. Affected: yes.
Comment: ACMG Criteria: PVS1, PM2; Variant was found in heterozygous state.

NM_015559.3(SETBP1):c.239G>A (p.Trp80Ter)

Gene: SETBP1 (SET binding protein 1; plus strand). Cytogenetic location: 18q12.3.
Variant type: single nucleotide variant.
Coding change: c.239G>A on transcript NM_015559.3 (MANE Select); coding-DNA position 239, G replaced by A.
Protein change: p.Trp80Ter; replaces tryptophan 80 with a stop codon.
Molecular consequence: nonsense.
Genome position (GRCh38, 1-based): chr18:44,701,585, G>A. VCF-style: chr18-44701585-G-A. GRCh37 (hg19) VCF-style: chr18-42281550-G-A.
Other names: c.239G>A, p.Trp80Ter (NM_001130110.2, NM_001379141.1, NM_001379142.1 and 1 more transcripts); short protein forms W80*.
Identifiers: ClinVar variation 3366975 (VCV003366975.1).